The following is an entry in ClinVar:

ClinVar aggregate classification (germline): Likely benign. Review status: reviewed by expert panel (3 of 4 stars). 16 submissions from 16 submitters: Likely benign (1). 15 of the submissions do not count toward it. Last evaluated 2017-06-29.

Conditions:
Breast and/or ovarian cancer. Identifiers: MedGen CN221562.
Hereditary cancer-predisposing syndrome. Also called: Tumor predisposition; Neoplastic Syndromes, Hereditary; Hereditary Cancer Syndrome; Hereditary neoplastic syndrome. Identifiers: Orphanet 140162, MedGen C0027672, MeSH D009386, MONDO:0015356.
Hereditary breast ovarian cancer syndrome. Also called: Hereditary breast and ovarian cancer; Hereditary breast and ovarian cancer syndrome (HBOC); Breast and ovarian cancer; Hereditary breast and/or ovarian cancer syndrome; BRCA1- and BRCA2-Associated Hereditary Breast and Ovarian Cancer; Hereditary breast and ovarian cancer syndrome. Identifiers: Orphanet 145, MedGen C0677776, MeSH D061325, MONDO:0003582. Disease mechanism: loss of function.
Breast-ovarian cancer, familial, susceptibility to, 2 (BROVCA2). Also called: BRCA2 Hereditary Breast and Ovarian Cancer. Identifiers: Orphanet 145, MedGen C2675520, MONDO:0012933, OMIM 612555. Disease mechanism: loss of function.
Malignant tumor of breast. Also called: Malignant breast neoplasm; Cancer breast. Identifiers: MedGen C0006142, MONDO:0007254. Disease mechanism: loss of function.

Allele frequency attached by ClinVar (database versions not stated): TOPMed 0.00002; ExAC 0.00005.
gnomAD v4.1: 31 of 1,613,886 alleles (0.0019%); highest among the groups gnomAD compares: Non-Finnish European, 0.0024%; no homozygotes.

Submissions (16):

Evidence-based Network for the Interpretation of Germline Mutant Alleles (ENIGMA)
Classification: Likely benign for Breast-ovarian cancer, familial, susceptibility to, 2. Last evaluated: 2017-06-29. Review status: reviewed by expert panel. Criteria: ENIGMA BRCA1/2 Classification Criteria (2017-06-29). Collection method: curation. Allele origin: germline.
Comment: Synonymous substitution variant, with low bioinformatic likelihood to result in a splicing aberration (Splicing prior probability 0.02).

Institute for Biomarker Research, Medical Diagnostic Laboratories, L.L.C.
Classification: Likely benign for Hereditary breast ovarian cancer syndrome. Last evaluated: 2026-03-30. Review status: criteria provided, single submitter. Criteria: ACMG Guidelines, 2015. Collection method: clinical testing. Allele origin: germline. Not counted in ClinVar's aggregate classification.
Comment: The synonymous variant NM_000059.4(BRCA2):c.9606G>C (p.Pro3202=) has been reported to ClinVar as Likely benign with a status of (3 stars) reviewed by expert panel Accession: VCV000184541.56). The p.Pro3202= variant is observed in 11/113,690 (0.0097%) alleles from individuals of gnomAD Non Finnish European background in gnomAD. The p.Pro3202= variant is not predicted to disrupt an existing splice site. The p.Pro3202= variant results in a substitution of a base that is not predicted conserved by GERP++ and PhyloP. For these reasons, this variant has been classified as Likely Benign.

Labcorp Genetics (formerly Invitae), Labcorp
Classification: Benign for Hereditary breast ovarian cancer syndrome. Last evaluated: 2025-12-16. Review status: criteria provided, single submitter. Criteria: Invitae Variant Classification Sherloc (09022015). Collection method: clinical testing. Allele origin: germline. Not counted in ClinVar's aggregate classification.

CeGaT Center for Human Genetics Tuebingen
Classification: Likely benign. Last evaluated: 2025-10-01. Review status: criteria provided, single submitter. Criteria: CeGaT Center For Human Genetics Tuebingen Variant Classification Criteria Version 2. Collection method: clinical testing. Allele origin: germline. Affected: yes. Observed: 2 variant alleles. Not counted in ClinVar's aggregate classification.
Comment: BRCA2: BP4, BP7

Molecular Diagnostics Laboratory, Catalan Institute of Oncology
Classification: Likely benign for Hereditary cancer-predisposing syndrome. Last evaluated: 2025-02-18. Review status: criteria provided, single submitter. Criteria: ClinGen BRCA1BRCA2 ACMG Specifications BRCA2 V1.0.0. Collection method: clinical testing. Allele origin: germline. Not counted in ClinVar's aggregate classification.
Comment: BS1_Supporting, BP1_Strong c.9606G>C, located in exon 26 of the BRCA2 gene, is predicted to result in no amino acid change, p.(Pro3202=). This position is outside a (potentially) clinically important functional domain and, moreover, the SpliceAI algorithm predicts no significant impact on splicing (BP1_strong). The variant allele was found in 10/118111 alleles, with a filter allele frequency of 0.0035% at 99% confidence, within the European (non-Finnish) population in the gnomAD v2.1.1 database (non-cancer data set) (BS1_Supporting). To our knowledge, neither relevant clinical data nor well-stablished functional studies have been reported for this variant. In addition, it was also identified in the following databases: BRCA Exchange (Likely benign: Synonymous substitution variant, with low bioinformatic likelihood to result in a splicing aberration), ClinVar (3x benign, 10x likely benign) and LOVD (1x benign, 1x likely benign, 3x uncertain significance). Based on the currently available information, c.9606G>C is classified as a likely benign variant according to ClinGen-BRCA2 Guidelines version v1.0.0.

All of Us Research Program, National Institutes of Health
Classification: Benign for Breast-ovarian cancer, familial, susceptibility to, 2. Last evaluated: 2023-12-13. Review status: criteria provided, single submitter. Criteria: ACMG Guidelines, 2015. Collection method: clinical testing. Allele origin: germline. Inheritance: Autosomal dominant inheritance. Observed: 11 variant alleles, 11 heterozygotes. Not counted in ClinVar's aggregate classification.
Comment: This study involves interpretation of variants in research participants for the purpose of population health screening. Participant phenotype was not available at the time of variant classification. Additional details can be found in publication PMID: 35346344, PMCID: PMC8962531

Blueprint Genetics
Classification: Likely benign. Last evaluated: 2023-10-24. Review status: criteria provided, single submitter. Criteria: ACMG Guidelines, 2015. Collection method: clinical testing. Allele origin: germline. Not counted in ClinVar's aggregate classification.

Quest Diagnostics Nichols Institute San Juan Capistrano
Classification: Likely benign. Last evaluated: 2023-01-10. Review status: criteria provided, single submitter. Criteria: Quest Diagnostics criteria. Collection method: clinical testing. Allele origin: unknown. Not counted in ClinVar's aggregate classification.

ARUP Laboratories, Molecular Genetics and Genomics, ARUP Laboratories
Classification: Likely benign. Last evaluated: 2022-11-02. Review status: criteria provided, single submitter. Criteria: ARUP Molecular Germline Variant Investigation Process 2021. Collection method: clinical testing. Allele origin: germline. Not counted in ClinVar's aggregate classification.

CHEO Genetics Diagnostic Laboratory, Children's Hospital of Eastern Ontario
Classification: Likely benign for Breast and/or ovarian cancer. Last evaluated: 2021-08-16. Review status: criteria provided, single submitter. Criteria: ACMG Guidelines, 2015. Collection method: clinical testing. Allele origin: germline. Not counted in ClinVar's aggregate classification.

Women's Health and Genetics/Laboratory Corporation of America, LabCorp
Classification: Likely benign. Last evaluated: 2019-06-03. Review status: criteria provided, single submitter. Criteria: LabCorp Variant Classification Summary - May 2015. Collection method: clinical testing. Allele origin: germline. Not counted in ClinVar's aggregate classification.
Comment: Variant summary: BRCA2 c.9606G>C alters a non-conserved nucleotide resulting in a synonymous change. 5/5 computational tools predict no significant impact on normal splicing. However, these predictions have yet to be confirmed by functional studies. The variant allele was found at a frequency of 4.4e-05 in 251382 control chromosomes (gnomAD). This frequency is not higher than the expected maximum for a pathogenic variant in BRCA2 causing Hereditary Breast and Ovarian Cancer (4.4e-05 vs 0.00075), allowing no conclusion about variant significance. c.9606G>C has been reported in the literature in affected individuals without strong evidence for causality (Borg_2010, Caux-Moncoutier_2011, Minucci_2015). These reports do not provide unequivocal conclusions about association of the variant with Hereditary Breast and Ovarian Cancer. A co-occurrence with a pathogenic variant has been reported (BRCA1 c.4183C>T (p.Gln1395X); UMD database), providing supporting evidence for a benign role. To our knowledge, no experimental evidence demonstrating an impact on protein function has been reported. Six submitters, including one expert panel (ENIGMA) have provided clinical-significance assessments for this variant in ClinVar after 2014 without evidence for independent evaluation, and classified the variant as likely benign (4x) / benign (2x). Based on the evidence outlined above, the variant was classified as likely benign.

GeneDx
Classification: Likely benign. Last evaluated: 2017-10-27. Review status: criteria provided, single submitter. Criteria: GeneDx Variant Classification (06012015). Collection method: clinical testing. Allele origin: germline. Affected: yes. Not counted in ClinVar's aggregate classification.
Comment: This variant is considered likely benign or benign based on one or more of the following criteria: it is a conservative change, it occurs at a poorly conserved position in the protein, it is predicted to be benign by multiple in silico algorithms, and/or has population frequency not consistent with disease.

Color Diagnostics, LLC DBA Color Health
Classification: Benign for Hereditary cancer-predisposing syndrome. Last evaluated: 2016-05-16. Review status: criteria provided, single submitter. Criteria: ACMG Guidelines, 2015. Collection method: clinical testing. Allele origin: germline. Not counted in ClinVar's aggregate classification.

Ambry Genetics
Classification: Likely benign for Hereditary cancer-predisposing syndrome. Last evaluated: 2014-09-15. Review status: criteria provided, single submitter. Criteria: Ambry Variant Classification Scheme 2023. Collection method: clinical testing. Allele origin: germline. Not counted in ClinVar's aggregate classification.

True Health Diagnostics
Classification: Likely benign for Hereditary cancer-predisposing syndrome. Last evaluated: 2018-01-15. Review status: no assertion criteria provided. Collection method: clinical testing. Allele origin: germline. Not counted in ClinVar's aggregate classification.

Department of Pathology and Laboratory Medicine, Sinai Health System
Classification: Likely benign for Malignant tumor of breast. Review status: no assertion criteria provided. Collection method: clinical testing. Allele origin: unknown. Affected: yes. Study: The Canadian Open Genetics Repository (COGR). Not counted in ClinVar's aggregate classification.
Comment: The BRCA2 p.Pro3202= variant was identified in a cohort of ovarian cancer patients and classified as having no clinical significance (Minucci 2015). The variant was also identified in dbSNP (ID: rs755890067) as With Likely benign allele, ClinVar (classified as benign by Color Genomic and Invitae; classified as likely benign by Ambry Genetics, GeneDx, ENIGMA, and one other clinical laboratory), Clinvitae, LOVD 3.0 (4x), and UMD-LSDB (15x as uncertain significance; co-occurring with the pathogenic BRCA1 variant c.4183C>T, p.Gln1395X). The variant was not identified in GeneInsight-COGR, Cosmic, BIC Database, ARUP Laboratories, or the Zhejiang University Database. The variant was identified in control databases in 11 of 246166 chromosomes at a frequency of 0.0001 (Genome Aggregation Database Feb 27, 2017). Breakdown of the observations by population include European in 11 of 111642 chromosomes (freq: 0.0001), while the variant was not observed in the African, Other, Latino, Ashkenazi Jewish, East Asian, Finnish, and South Asian populations. The p.Pro3202= variant is not expected to have clinical significance because it does not result in a change of amino acid and is not located in a known consensus splice site. In addition, in silico or computational prediction software programs (SpliceSiteFinder, MaxEntScan, NNSPLICE, GeneSplicer, HumanSpliceFinder) do not predict a difference in splicing. In summary, the clinical significance of this variant cannot be determined with certainty at this time, although available information suggests a benign role. This variant is classified as likely benign.

Literature cited by the submitters: PubMed 34597585 (cited by Quest Diagnostics Nichols Institute San Juan Capistrano); PubMed 26306726 (cited by Quest Diagnostics Nichols Institute San Juan Capistrano and Women's Health and Genetics/Laboratory Corporation of America, LabCorp); PubMed 21120943 (cited by Quest Diagnostics Nichols Institute San Juan Capistrano and Women's Health and Genetics/Laboratory Corporation of America, LabCorp); PubMed 20104584 (cited by Quest Diagnostics Nichols Institute San Juan Capistrano and Women's Health and Genetics/Laboratory Corporation of America, LabCorp).

NM_000059.4(BRCA2):c.9606G>C (p.Pro3202=)

Gene: BRCA2 (BRCA2 DNA repair associated; plus strand). Cytogenetic location: 13q13.1.
Variant type: single nucleotide variant.
Coding change: c.9606G>C on transcript NM_000059.4 (MANE Select); coding-DNA position 9606, G replaced by C.
Protein change: p.Pro3202=; no amino-acid change (proline 3202 retained).
Molecular consequence: synonymous variant.
Genome position (GRCh38, 1-based): chr13:32,397,002, G>C. VCF-style: chr13-32397002-G-C. GRCh37 (hg19) VCF-style: chr13-32971139-G-C.
Identifiers: ClinVar variation 184541 (VCV000184541.62), dbSNP rs755890067, ClinGen allele CA026231.